The following is an entry in ClinVar:

NM_004312.3(ARR3):c.1145C>A (p.Ala382Asp)

Gene: ARR3 (arrestin 3; plus strand). Cytogenetic location: Xq13.1.
Variant type: single nucleotide variant.
Coding change: c.1145C>A on transcript NM_004312.3 (MANE Select); coding-DNA position 1145, C replaced by A.
Protein change: p.Ala382Asp; replaces alanine 382 with aspartic acid.
Molecular consequence: missense variant.
Genome position (GRCh38, 1-based): chrX:70,281,744, C>A. VCF-style: chrX-70281744-C-A. GRCh37 (hg19) VCF-style: chrX-69501594-C-A.
Other names: short protein forms A382D.
Identifiers: ClinVar variation 3345940 (VCV003345940.1).

ClinVar aggregate classification (germline): Uncertain significance (0 of 4 stars; one submission).

Conditions:
ARR3-related disorder. Also called: ARR3-related condition.

Submission:

PreventionGenetics, part of Exact Sciences
Classification: Uncertain significance for ARR3-related condition. Last evaluated: 2024-04-17. Review status: no assertion criteria provided. Collection method: clinical testing. Allele origin: germline.
Comment: The ARR3 c.1145C>A variant is predicted to result in the amino acid substitution p.Ala382Asp. To our knowledge, this variant has not been reported in the literature. This variant is reported in 0.0018% of alleles in individuals of European (Non-Finnish) descent in gnomAD. At this time, the clinical significance of this variant is uncertain due to the absence of conclusive functional and genetic evidence.